The following is an entry in ClinVar:

NM_018834.6(MATR3):c.2522G>A (p.Arg841His)

Gene: MATR3 (matrin 3; plus strand). Cytogenetic location: 5q31.2.
Variant type: single nucleotide variant.
Coding change: c.2522G>A on transcript NM_018834.6 (MANE Select); coding-DNA position 2522, G replaced by A.
Protein change: p.Arg841His; replaces arginine 841 with histidine.
Molecular consequence: missense variant.
Genome position (GRCh38, 1-based): chr5:139,329,373, G>A. VCF-style: chr5-139329373-G-A. GRCh37 (hg19) VCF-style: chr5-138665062-G-A.
Other names: c.2522G>A, p.Arg841His (NM_001400458.1, NM_199189.3, NM_001194954.2 and 11 more transcripts); c.1661G>A, p.Arg554His (NM_001400459.1); c.1652G>A, p.Arg551His (NM_001400460.1); c.1622G>A, p.Arg541His (NM_001400461.1); c.1508G>A, p.Arg503His (NM_001400462.1, NM_001400463.1, NM_001400464.1 and 4 more transcripts); c.1658G>A, p.Arg553His (NM_001194956.2); c.2666G>A, p.Arg889His (NM_001400441.1, NM_001400442.1, NM_001400443.1 and 2 more transcripts); short protein forms R554H, R503H, R553H, R541H, R551H, R841H, R889H.
Identifiers: ClinVar variation 4711200 (VCV004711200.1).

ClinVar aggregate classification (germline): Uncertain significance (1 of 4 stars; one submission).

Conditions:
Amyotrophic lateral sclerosis type 21. Also called: VOCAL CORD AND PHARYNGEAL DYSFUNCTION WITH DISTAL MYOPATHY; MYOPATHY, DISTAL, 2. Identifiers: Orphanet 600, Orphanet 803, MedGen C3807521, MONDO:0011632, OMIM 606070.

gnomAD v4.1: 6 of 1,611,736 alleles (0.00037%); highest among the groups gnomAD compares: East Asian, 0.0067%; no homozygotes.

Submission:

Labcorp Genetics (formerly Invitae), Labcorp
Classification: Uncertain significance for Amyotrophic lateral sclerosis type 21. Last evaluated: 2025-09-06. Review status: criteria provided, single submitter. Criteria: Invitae Variant Classification Sherloc (09022015). Collection method: clinical testing. Allele origin: germline.
Comment: This sequence change replaces arginine, which is basic and polar, with histidine, which is basic and polar, at codon 841 of the MATR3 protein (p.Arg841His). This variant is present in population databases (no rsID available, gnomAD 0.006%). This variant has not been reported in the literature in individuals affected with MATR3-related conditions. An algorithm developed to predict the effect of missense changes on protein structure and function (PolyPhen-2) suggests that this variant is likely to be tolerated. In summary, the available evidence is currently insufficient to determine the role of this variant in disease. Therefore, it has been classified as a Variant of Uncertain Significance.